The following is an entry in ClinVar:

ClinVar aggregate classification (germline): Uncertain significance (1 of 4 stars; one submission).

Conditions:
Hyperekplexia 2 (HKPX2). Identifiers: Orphanet 3197, MedGen C3553291, MONDO:0013828, OMIM 614619.

Submission:

Labcorp Genetics (formerly Invitae), Labcorp
Classification: Uncertain significance for Hyperekplexia 2. Last evaluated: 2022-02-04. Review status: criteria provided, single submitter. Criteria: Invitae Variant Classification Sherloc (09022015). Collection method: clinical testing. Allele origin: germline.
Comment: In summary, the available evidence is currently insufficient to determine the role of this variant in disease. Therefore, it has been classified as a Variant of Uncertain Significance. This sequence change replaces aspartic acid, which is acidic and polar, with asparagine, which is neutral and polar, at codon 219 of the GLRB protein (p.Asp219Asn). This variant is not present in population databases (gnomAD no frequency). This variant has not been reported in the literature in individuals affected with GLRB-related conditions. Advanced modeling of protein sequence and biophysical properties (such as structural, functional, and spatial information, amino acid conservation, physicochemical variation, residue mobility, and thermodynamic stability) performed at Invitae indicates that this missense variant is not expected to disrupt GLRB protein function.

NM_000824.5(GLRB):c.655G>A (p.Asp219Asn)

Gene: GLRB (glycine receptor beta; plus strand). Cytogenetic location: 4q32.1.
Variant type: single nucleotide variant.
Coding change: c.655G>A on transcript NM_000824.5 (MANE Select); coding-DNA position 655, G replaced by A.
Protein change: p.Asp219Asn; replaces aspartic acid 219 with asparagine.
Molecular consequence: missense variant.
Genome position (GRCh38, 1-based): chr4:157,138,853, G>A. VCF-style: chr4-157138853-G-A. GRCh37 (hg19) VCF-style: chr4-158060005-G-A.
Other names: c.655G>A, p.Asp219Asn (NM_001166060.2, NM_001166061.2); short protein forms D219N.
Identifiers: ClinVar variation 2093055 (VCV002093055.4), dbSNP rs2530068662, ClinGen allele CA358643407.